The following is an entry in ClinVar:

ClinVar aggregate classification (germline): Pathogenic (1 of 4 stars; one submission).

Allele frequency attached by ClinVar (database versions not stated): gnomAD exomes below 0.00001.

Submission:

Labcorp Genetics (formerly Invitae), Labcorp
Classification: Pathogenic. Last evaluated: 2020-02-10. Review status: criteria provided, single submitter. Criteria: Invitae Variant Classification Sherloc (09022015). Collection method: clinical testing. Allele origin: germline.
Comment: For these reasons, this variant has been classified as Pathogenic. Loss-of-function variants in MSH3 are known to be pathogenic (PMID: 27476653). This variant is not present in population databases (ExAC no frequency). This sequence change creates a premature translational stop signal (p.Ala805Leufs*7) in the MSH3 gene. It is expected to result in an absent or disrupted protein product. This variant has not been reported in the literature in individuals with MSH3-related conditions.

Literature cited by the submitters: PubMed 27476653.

NM_002439.5(MSH3):c.2413del (p.Ala805fs)

Gene: MSH3 (mutS homolog 3; plus strand). Cytogenetic location: 5q14.1.
Variant type: Deletion.
Coding change: c.2413del on transcript NM_002439.5 (MANE Select); coding-DNA position 2413, one base deleted (G; older notation c.2413delG).
Protein change: p.Ala805fs; shifts the reading frame from alanine 805.
Molecular consequence: frameshift variant.
Genome position (GRCh38, 1-based): chr5:80,778,814, G deleted. VCF-style (leftmost placement, unchanged base first): chr5-80778813-TG-T. GRCh37 (hg19) VCF-style: chr5-80074632-TG-T.
Other names: short protein forms A805fs.
Identifiers: ClinVar variation 1068515 (VCV001068515.7), dbSNP rs2112007970, ClinGen allele CA2499217960.